The following is an entry in ClinVar:

NM_130384.3(ATRIP):c.467T>C (p.Leu156Pro)

Genes: ATRIP (ATR interacting protein; plus strand), ATRIP-TREX1 (ATRIP-TREX1 readthrough; plus strand). Cytogenetic location: 3p21.31.
Variant type: single nucleotide variant.
Coding change: c.467T>C on transcript NM_130384.3 (MANE Select); coding-DNA position 467, T replaced by C.
Protein change: p.Leu156Pro; replaces leucine 156 with proline.
Molecular consequence: missense variant. On other transcripts: non-coding transcript variant (1).
Genome position (GRCh38, 1-based): chr3:48,451,814, T>C. VCF-style: chr3-48451814-T-C. GRCh37 (hg19) VCF-style: chr3-48493220-T-C.
Other names: c.86T>C, p.Leu29Pro (NM_001271022.2); c.188T>C, p.Leu63Pro (NM_001271023.2); c.467T>C, p.Leu156Pro (NM_032166.4); short protein forms L63P, L156P, L29P.
Identifiers: ClinVar variation 4844953 (VCV004844953.1).

ClinVar aggregate classification (germline): Uncertain significance (1 of 4 stars; one submission).

gnomAD v4.1: 2 of 1,613,284 alleles (0.00012%); highest among the groups gnomAD compares: African/African-American, 0.0013%; no homozygotes.

Submission:

Ambry Genetics
Classification: Uncertain significance. Last evaluated: 2026-02-22. Review status: criteria provided, single submitter. Criteria: Ambry Variant Classification Scheme 2023. Collection method: clinical testing. Allele origin: germline.
Comment: The p.L156P variant (also known as c.467T>C), located in coding exon 3 of the ATRIP gene, results from a T to C substitution at nucleotide position 467. The leucine at codon 156 is replaced by proline, an amino acid with similar properties. This amino acid position is conserved. In addition, the in silico prediction for this alteration is inconclusive. Based on the available evidence, the clinical significance of this variant remains unclear.